The following is an entry in ClinVar:

NM_152564.5(VPS13B):c.9615-1G>A

Gene: VPS13B (vacuolar protein sorting 13 homolog B; plus strand). Cytogenetic location: 8q22.2.
Variant type: single nucleotide variant.
Coding change: c.9615-1G>A on transcript NM_152564.5 (MANE Select); the canonical splice acceptor site of the intron before coding-DNA position 9615, G replaced by A.
Molecular consequence: splice acceptor variant.
Genome position (GRCh38, 1-based): chr8:99,835,196, G>A. VCF-style: chr8-99835196-G-A. GRCh37 (hg19) VCF-style: chr8-100847424-G-A.
Other names: c.9690-1G>A (NM_017890.5).
Identifiers: ClinVar variation 1378227 (VCV001378227.8), dbSNP rs2130865334, ClinGen allele CA371782347.

ClinVar aggregate classification (germline): Pathogenic (1 of 4 stars; one submission).

Conditions:
Cohen syndrome (COH1). Also called: Cutis verticis gyrata, retinitis pigmentosa, and sensorineural deafness; PEPPER SYNDROME. Identifiers: Orphanet 193, MedGen C0265223, MONDO:0008999, OMIM 216550.

Submission:

Labcorp Genetics (formerly Invitae), Labcorp
Classification: Pathogenic for Cohen syndrome. Last evaluated: 2022-09-19. Review status: criteria provided, single submitter. Criteria: Invitae Variant Classification Sherloc (09022015). Collection method: clinical testing. Allele origin: germline.
Comment: Algorithms developed to predict the effect of sequence changes on RNA splicing suggest that this variant may disrupt the consensus splice site. For these reasons, this variant has been classified as Pathogenic. ClinVar contains an entry for this variant (Variation ID: 1378227). This sequence change affects an acceptor splice site in intron 52 of the VPS13B gene. It is expected to disrupt RNA splicing. Variants that disrupt the donor or acceptor splice site typically lead to a loss of protein function (PMID: 16199547), and loss-of-function variants in VPS13B are known to be pathogenic (PMID: 15141358, 16648375, 20461111). Disruption of this splice site has been observed in individual(s) with Cohen syndrome (PMID: 15141358). This variant is not present in population databases (gnomAD no frequency).

Literature cited by the submitters: PubMed 16199547; PubMed 15141358; PubMed 16648375; PubMed 20461111.